The following is an entry in ClinVar:

NM_004733.4(SLC33A1):c.322G>T (p.Asp108Tyr)

Gene: SLC33A1 (solute carrier family 33 member 1; minus strand). Cytogenetic location: 3q25.31.
Variant type: single nucleotide variant.
Coding change: c.322G>T on transcript NM_004733.4 (MANE Select); coding-DNA position 322, G replaced by T.
Protein change: p.Asp108Tyr; replaces aspartic acid 108 with tyrosine.
Molecular consequence: missense variant.
Genome position (GRCh38, 1-based): chr3:155,853,676, C>A on the plus strand (G>T on the coding strand, the complement: SLC33A1 is on the minus strand). VCF-style: chr3-155853676-C-A. GRCh37 (hg19) VCF-style: chr3-155571465-C-A.
Other names: c.322G>T, p.Asp108Tyr (NM_001190992.2, NM_001363883.1); short protein forms D108Y.
Identifiers: ClinVar variation 3897008 (VCV003897008.1).

ClinVar aggregate classification (germline): Uncertain significance (1 of 4 stars; one submission).

Conditions:
Hereditary spastic paraplegia 42. Also called: SPASTIC PARAPLEGIA 42, AUTOSOMAL DOMINANT. Identifiers: Orphanet 171863, MedGen C2675528, MONDO:0012928, OMIM 612539.

gnomAD v4.1: 1 of 1,614,154 alleles (0.000062%); highest among the groups gnomAD compares: Non-Finnish European, 0.000085%; no homozygotes.

Submission:

Kariminejad - Najmabadi Pathology & Genetics Center
Classification: Uncertain significance for Hereditary spastic paraplegia 42. Last evaluated: 2024-03-07. Review status: criteria provided, single submitter. Criteria: ACMG Guidelines, 2015. Collection method: clinical testing. Allele origin: germline. Inheritance: Autosomal dominant inheritance. Affected: yes.
Comment: PM2_M,PP3_SP?